The following is an entry in ClinVar:

NM_001735.3(C5):c.3562T>A (p.Leu1188Met)

Gene: C5 (complement C5; minus strand). Cytogenetic location: 9q33.2.
Variant type: single nucleotide variant.
Coding change: c.3562T>A on transcript NM_001735.3 (MANE Select); coding-DNA position 3562, T replaced by A.
Protein change: p.Leu1188Met; replaces leucine 1188 with methionine.
Molecular consequence: missense variant.
Genome position (GRCh38, 1-based): chr9:120,980,179, A>T on the plus strand (T>A on the coding strand, the complement: C5 is on the minus strand). VCF-style: chr9-120980179-A-T. GRCh37 (hg19) VCF-style: chr9-123742457-A-T.
Other names: c.3580T>A, p.Leu1194Met (NM_001317163.2); short protein forms L1188M, L1194M.
Identifiers: ClinVar variation 1929789 (VCV001929789.5), dbSNP rs955581138, ClinGen allele CA374727382.

ClinVar aggregate classification (germline): Uncertain significance (1 of 4 stars; one submission).

Submission:

Labcorp Genetics (formerly Invitae), Labcorp
Classification: Uncertain significance. Last evaluated: 2024-12-16. Review status: criteria provided, single submitter. Criteria: Invitae Variant Classification Sherloc (09022015). Collection method: clinical testing. Allele origin: germline.
Comment: This sequence change replaces leucine, which is neutral and non-polar, with methionine, which is neutral and non-polar, at codon 1188 of the C5 protein (p.Leu1188Met). This variant is not present in population databases (gnomAD no frequency). This variant has not been reported in the literature in individuals affected with C5-related conditions. ClinVar contains an entry for this variant (Variation ID: 1929789). Invitae Evidence Modeling of protein sequence and biophysical properties (such as structural, functional, and spatial information, amino acid conservation, physicochemical variation, residue mobility, and thermodynamic stability) indicates that this missense variant is not expected to disrupt C5 protein function with a negative predictive value of 80%. In summary, the available evidence is currently insufficient to determine the role of this variant in disease. Therefore, it has been classified as a Variant of Uncertain Significance.